The following is an entry in ClinVar:

NM_004525.3(LRP2):c.4711T>C (p.Ser1571Pro)

Gene: LRP2 (LDL receptor related protein 2; minus strand). Cytogenetic location: 2q31.1.
Variant type: single nucleotide variant.
Coding change: c.4711T>C on transcript NM_004525.3 (MANE Select); coding-DNA position 4711, T replaced by C.
Protein change: p.Ser1571Pro; replaces serine 1571 with proline.
Molecular consequence: missense variant.
Genome position (GRCh38, 1-based): chr2:169,236,049, A>G on the plus strand (T>C on the coding strand, the complement: LRP2 is on the minus strand). VCF-style: chr2-169236049-A-G. GRCh37 (hg19) VCF-style: chr2-170092559-A-G.
Other names: short protein forms S1571P.
Identifiers: ClinVar variation 1715276 (VCV001715276.5), dbSNP rs1238611293, ClinGen allele CA349142798.

ClinVar aggregate classification (germline): Uncertain significance (1 of 4 stars; one submission).

Submission:

Labcorp Genetics (formerly Invitae), Labcorp
Classification: Uncertain significance. Last evaluated: 2022-10-05. Review status: criteria provided, single submitter. Criteria: Invitae Variant Classification Sherloc (09022015). Collection method: clinical testing. Allele origin: germline.
Comment: In summary, the available evidence is currently insufficient to determine the role of this variant in disease. Therefore, it has been classified as a Variant of Uncertain Significance. Advanced modeling of protein sequence and biophysical properties (such as structural, functional, and spatial information, amino acid conservation, physicochemical variation, residue mobility, and thermodynamic stability) performed at Invitae indicates that this missense variant is expected to disrupt LRP2 protein function. This variant has not been reported in the literature in individuals affected with LRP2-related conditions. This variant is not present in population databases (gnomAD no frequency). This sequence change replaces serine, which is neutral and polar, with proline, which is neutral and non-polar, at codon 1571 of the LRP2 protein (p.Ser1571Pro).